The following is an entry in ClinVar:

NM_020717.5(SHROOM4):c.3276C>T (p.Leu1092=)

Gene: SHROOM4 (shroom family member 4; minus strand). Cytogenetic location: Xp11.22.
Variant type: single nucleotide variant.
Coding change: c.3276C>T on transcript NM_020717.5 (MANE Select); coding-DNA position 3276, C replaced by T.
Protein change: p.Leu1092=; no amino-acid change (leucine 1092 retained).
Molecular consequence: synonymous variant. On other transcripts: non-coding transcript variant (4).
Genome position (GRCh38, 1-based): chrX:50,607,866, G>A on the plus strand (C>T on the coding strand, the complement: SHROOM4 is on the minus strand). VCF-style: chrX-50607866-G-A. GRCh37 (hg19) VCF-style: chrX-50350866-G-A.
Identifiers: ClinVar variation 3350335 (VCV003350335.1).
Genomic context (GRCh38, chrX:50,607,866, plus strand): 5'-GTACTTCTCCCAGTTGGGAGGAGGAGGGCGAGGAGGAGGAAAGGCCTTCTTCCTGGCTCC[G>A]AGAAGATCCGACTGGGTCTCATCACCTTTGCTAAAGAGCTCCCTCCTATGCTGCCCCCAG-3'
Protein context (NP_065768.2, residues 1082-1102): SKGDETQSDL[Leu1092=]GARKKAFPPP

ClinVar aggregate classification (germline): Likely benign (0 of 4 stars; one submission).

Conditions:
SHROOM4-related disorder. Also called: SHROOM4-related condition.

Submission:

PreventionGenetics, part of Exact Sciences
Classification: Likely benign for SHROOM4-related condition. Last evaluated: 2019-05-28. Review status: no assertion criteria provided. Collection method: clinical testing. Allele origin: germline.
Comment: This variant is classified as likely benign based on ACMG/AMP sequence variant interpretation guidelines (Richards et al. 2015 PMID: 25741868, with internal and published modifications).